The following is an entry in ClinVar:

NM_001378418.1(TCF20):c.1666G>C (p.Ala556Pro)

Gene: TCF20 (transcription factor 20; minus strand). Cytogenetic location: 22q13.2.
Variant type: single nucleotide variant.
Coding change: c.1666G>C on transcript NM_001378418.1 (MANE Select); coding-DNA position 1666, G replaced by C.
Protein change: p.Ala556Pro; replaces alanine 556 with proline.
Molecular consequence: missense variant.
Genome position (GRCh38, 1-based): chr22:42,213,640, C>G on the plus strand (G>C on the coding strand, the complement: TCF20 is on the minus strand). VCF-style: chr22-42213640-C-G. GRCh37 (hg19) VCF-style: chr22-42609646-C-G.
Other names: c.1666G>C, p.Ala556Pro (NM_005650.4, NM_181492.3); short protein forms A556P.
Identifiers: ClinVar variation 2150703 (VCV002150703.4), dbSNP rs777016897, ClinGen allele CA10267147.
Genomic context (GRCh38, chr22:42,213,640, plus strand): 5'-CAGGACTAGCATTGAGTCTGGGGGGTTCATTCTGAGCACCTTGTGCCGGTGAGGAGCCAG[C>G]TTTCTCAGAGGCTCCACCCTTGTAGGTGGTGTCAGAGCTGGTGCTCTGGCCACTTAGTTG-3'
Protein context (NP_001365347.1, residues 546-566): TTYKGGASEK[Ala556Pro]GSSPAQGAQN

ClinVar aggregate classification (germline): Uncertain significance (1 of 4 stars; one submission).

Allele frequency attached by ClinVar (database versions not stated): ExAC 0.00001; gnomAD exomes 0.00001.
gnomAD v4.1: 11 of 1,614,094 alleles (0.00068%); highest among the groups gnomAD compares: South Asian, 0.0077%; no homozygotes.

Submission:

Labcorp Genetics (formerly Invitae), Labcorp
Classification: Uncertain significance. Last evaluated: 2025-12-03. Review status: criteria provided, single submitter. Criteria: Invitae Variant Classification Sherloc (09022015). Collection method: clinical testing. Allele origin: germline.
Comment: This sequence change replaces alanine, which is neutral and non-polar, with proline, which is neutral and non-polar, at codon 556 of the TCF20 protein (p.Ala556Pro). This variant is present in population databases (rs777016897, gnomAD 0.006%). This variant has not been reported in the literature in individuals affected with TCF20-related conditions. ClinVar contains an entry for this variant (Variation ID: 2150703). An algorithm developed to predict the effect of missense changes on protein structure and function (PolyPhen-2) suggests that this variant is likely to be tolerated. In summary, the available evidence is currently insufficient to determine the role of this variant in disease. Therefore, it has been classified as a Variant of Uncertain Significance.